The following is an entry in ClinVar:

NM_000057.4(BLM):c.1028C>G (p.Ser343Ter)

Gene: BLM (BLM RecQ like helicase; plus strand). Cytogenetic location: 15q26.1.
Variant type: single nucleotide variant.
Coding change: c.1028C>G on transcript NM_000057.4 (MANE Select); coding-DNA position 1028, C replaced by G.
Protein change: p.Ser343Ter; replaces serine 343 with a stop codon.
Molecular consequence: nonsense. On other transcripts: 5 prime UTR variant (1).
Genome position (GRCh38, 1-based): chr15:90,754,879, C>G. VCF-style: chr15-90754879-C-G. GRCh37 (hg19) VCF-style: chr15-91298109-C-G.
Other names: c.1028C>G, p.Ser343Ter (NM_001287246.2, NM_001287247.2); c.-264C>G (NM_001287248.2); short protein forms S343*.
Identifiers: ClinVar variation 5042212 (VCV005042212.1).

ClinVar aggregate classification (germline): Pathogenic (1 of 4 stars; one submission).

Conditions:
Bloom syndrome (BLM). Also called: Bloom-Torre-Machacek syndrome. Identifiers: Orphanet 125, MedGen C0005859, MONDO:0008876, OMIM 210900.

gnomAD v4.1: 3 of 1,613,870 alleles (0.00019%); highest among the groups gnomAD compares: Non-Finnish European, 0.00025%; no homozygotes.

Submission:

Myriad Genetics, Inc.
Classification: Pathogenic for Bloom syndrome. Last evaluated: 2026-07-15. Review status: criteria provided, single submitter. Criteria: Myriad Autosomal Dominant, Autosomal Recessive and X-Linked Classification Criteria (2023). Collection method: clinical testing. Allele origin: unknown.
Comment: This variant is considered pathogenic. This variant creates a termination codon and is predicted to result in premature protein truncation.